The following is an entry in ClinVar:

NM_016247.4(IMPG2):c.3022+3A>G

Gene: IMPG2 (interphotoreceptor matrix proteoglycan 2; minus strand). Cytogenetic location: 3q12.3.
Variant type: single nucleotide variant.
Coding change: c.3022+3A>G on transcript NM_016247.4 (MANE Select); 3 bases into the intron after coding-DNA position 3022, A replaced by G.
Molecular consequence: intron variant.
Genome position (GRCh38, 1-based): chr3:101,242,685, T>C on the plus strand (A>G on the coding strand, the complement: IMPG2 is on the minus strand). VCF-style: chr3-101242685-T-C. GRCh37 (hg19) VCF-style: chr3-100961529-T-C.
Identifiers: ClinVar variation 1990852 (VCV001990852.3), dbSNP rs1479171195, ClinGen allele CA545054020.

ClinVar aggregate classification (germline): Uncertain significance. Review status: criteria provided, multiple submitters, no conflicts (2 of 4 stars). 2 submissions from 2 submitters: Uncertain significance (2). Last evaluated 2022-10-13.

Allele frequency attached by ClinVar (database versions not stated): gnomAD exomes below 0.00001; TOPMed 0.00001.
gnomAD v4.1: 3 of 1,600,330 alleles (0.00019%); highest among the groups gnomAD compares: Admixed American, 0.0033%; no homozygotes.

Submissions (2):

Labcorp Genetics (formerly Invitae), Labcorp
Classification: Uncertain significance. Last evaluated: 2022-10-13. Review status: criteria provided, single submitter. Criteria: Invitae Variant Classification Sherloc (09022015). Collection method: clinical testing. Allele origin: germline.
Comment: In summary, the available evidence is currently insufficient to determine the role of this variant in disease. Therefore, it has been classified as a Variant of Uncertain Significance. Variants that disrupt the consensus splice site are a relatively common cause of aberrant splicing (PMID: 17576681, 9536098). Algorithms developed to predict the effect of sequence changes on RNA splicing suggest that this variant is not likely to affect RNA splicing. This variant has not been reported in the literature in individuals affected with IMPG2-related conditions. This variant is present in population databases (no rsID available, gnomAD 0.003%). This sequence change falls in intron 14 of the IMPG2 gene. It does not directly change the encoded amino acid sequence of the IMPG2 protein. It affects a nucleotide within the consensus splice site.

Blueprint Genetics
Classification: Uncertain significance. Last evaluated: 2020-03-19. Review status: criteria provided, single submitter. Criteria: ACMG Guidelines, 2015. Collection method: clinical testing. Allele origin: germline.

Literature cited by the submitters: PubMed 17576681 (cited by Labcorp Genetics (formerly Invitae), Labcorp); PubMed 9536098 (cited by Labcorp Genetics (formerly Invitae), Labcorp).